The following is an entry in ClinVar:

ClinVar aggregate classification (germline): Uncertain significance (1 of 4 stars; one submission).

Conditions:
Marfan syndrome (MFS). Also called: MARFAN SYNDROME, TYPE I; Marfan syndrome type 1; Marfan's syndrome; Marfan syndrome, classic; FBN1-Related Marfan Syndrome. Identifiers: Orphanet 284963, Orphanet 558, MedGen C0024796, MONDO:0007947, OMIM 154700.
Familial thoracic aortic aneurysm and aortic dissection (TAAD). Also called: Thoracic aortic aneurysms and dissections. Identifiers: Orphanet 91387, MedGen C4707243, MONDO:0019625.

Submission:

Labcorp Genetics (formerly Invitae), Labcorp
Classification: Uncertain significance for Marfan syndrome; Familial thoracic aortic aneurysm and aortic dissection. Last evaluated: 2024-05-11. Review status: criteria provided, single submitter. Criteria: Invitae Variant Classification Sherloc (09022015). Collection method: clinical testing. Allele origin: germline.
Comment: This sequence change replaces glycine, which is neutral and non-polar, with alanine, which is neutral and non-polar, at codon 2580 of the FBN1 protein (p.Gly2580Ala). This variant is not present in population databases (gnomAD no frequency). This variant has not been reported in the literature in individuals affected with FBN1-related conditions. Advanced modeling of protein sequence and biophysical properties (such as structural, functional, and spatial information, amino acid conservation, physicochemical variation, residue mobility, and thermodynamic stability) performed at Invitae indicates that this missense variant is expected to disrupt FBN1 protein function with a positive predictive value of 95%. In summary, the available evidence is currently insufficient to determine the role of this variant in disease. Therefore, it has been classified as a Variant of Uncertain Significance.

NM_000138.5(FBN1):c.7739G>C (p.Gly2580Ala)

Gene: FBN1 (fibrillin 1; minus strand). Cytogenetic location: 15q21.1.
Variant type: single nucleotide variant.
Coding change: c.7739G>C on transcript NM_000138.5 (MANE Select); coding-DNA position 7739, G replaced by C.
Protein change: p.Gly2580Ala; replaces glycine 2580 with alanine.
Molecular consequence: missense variant.
Genome position (GRCh38, 1-based): chr15:48,420,767, C>G on the plus strand (G>C on the coding strand, the complement: FBN1 is on the minus strand). VCF-style: chr15-48420767-C-G. GRCh37 (hg19) VCF-style: chr15-48712964-C-G.
Other names: c.7739G>C, p.Gly2580Ala (NM_001406716.1); short protein forms G2580A.
Identifiers: ClinVar variation 3752368 (VCV003752368.1).